The following is an entry in ClinVar:

NM_000038.6(APC):c.8035A>T (p.Thr2679Ser)

Gene: APC (APC regulator of Wnt signaling pathway; plus strand). Cytogenetic location: 5q22.2.
Variant type: single nucleotide variant.
Coding change: c.8035A>T on transcript NM_000038.6 (MANE Select); coding-DNA position 8035, A replaced by T.
Protein change: p.Thr2679Ser; replaces threonine 2679 with serine.
Molecular consequence: missense variant.
Genome position (GRCh38, 1-based): chr5:112,843,629, A>T. VCF-style: chr5-112843629-A-T. GRCh37 (hg19) VCF-style: chr5-112179326-A-T.
Other names: c.8035A>T, p.Thr2679Ser (NM_001127510.3, NM_001354895.2); c.7981A>T, p.Thr2661Ser (NM_001127511.3); c.8089A>T, p.Thr2697Ser (NM_001354896.2); c.8065A>T, p.Thr2689Ser (NM_001354897.2); c.7960A>T, p.Thr2654Ser (NM_001354898.2); c.7951A>T, p.Thr2651Ser (NM_001354899.2); c.7912A>T, p.Thr2638Ser (NM_001354900.2); c.7858A>T, p.Thr2620Ser (NM_001354901.2); and 5 more; short protein forms T2679S, T2661S, T2396S, T2553S, T2578S, T2638S, T2654S, T2697S.
Identifiers: ClinVar variation 574554 (VCV000574554.14), dbSNP rs1263911481, ClinGen allele CA16038781.

ClinVar aggregate classification (germline): Uncertain significance. Review status: criteria provided, multiple submitters, no conflicts (2 of 4 stars). 2 submissions from 2 submitters: Uncertain significance (2). Last evaluated 2024-09-16.

Conditions:
Familial adenomatous polyposis 1 (FAP1). Also called: POLYPOSIS, ADENOMATOUS INTESTINAL; FAMILIAL ADENOMATOUS POLYPOSIS 1, ATTENUATED. Identifiers: MedGen C2713442, MONDO:0021056, OMIM 175100. Disease mechanism: loss of function.
Hereditary cancer-predisposing syndrome. Also called: Neoplastic Syndromes, Hereditary; Hereditary Cancer Syndrome; Tumor predisposition; Hereditary neoplastic syndrome. Identifiers: Orphanet 140162, MedGen C0027672, MeSH D009386, MONDO:0015356.

Allele frequency attached by ClinVar (database versions not stated): gnomAD exomes below 0.00001.
gnomAD v4.1: 5 of 1,613,706 alleles (0.00031%); highest among the groups gnomAD compares: Non-Finnish European, 0.00042%; no homozygotes.

Submissions (2):

Ambry Genetics
Classification: Uncertain significance for Hereditary cancer-predisposing syndrome. Last evaluated: 2024-09-16. Review status: criteria provided, single submitter. Criteria: Ambry Variant Classification Scheme 2023. Collection method: clinical testing. Allele origin: germline.
Comment: The p.T2679S variant (also known as c.8035A>T), located in coding exon 15 of the APC gene, results from an A to T substitution at nucleotide position 8035. The threonine at codon 2679 is replaced by serine, an amino acid with similar properties. This amino acid position is conserved. Missense alterations in APC are not a common cause of disease (Spier I et al. Genet Med. 2024 Feb;26(2):100992). In addition, in silico predictors for this gene do not accurately predict pathogenicity. Since supporting evidence is limited at this time, the clinical significance of this alteration remains unclear.

Labcorp Genetics (formerly Invitae), Labcorp
Classification: Uncertain significance for Familial adenomatous polyposis 1. Last evaluated: 2018-08-15. Review status: criteria provided, single submitter. Criteria: Invitae Variant Classification Sherloc (09022015). Collection method: clinical testing. Allele origin: germline.
Comment: This sequence change replaces threonine with serine at codon 2679 of the APC protein (p.Thr2679Ser). The threonine residue is highly conserved and there is a small physicochemical difference between threonine and serine. This variant is not present in population databases (ExAC no frequency). This variant has not been reported in the literature in individuals with APC-related disease. Algorithms developed to predict the effect of missense changes on protein structure and function output the following: SIFT: "Tolerated"; PolyPhen-2: "Benign"; Align-GVGD: "Class C0". The serine amino acid residue is found in multiple mammalian species, suggesting that this missense change does not adversely affect protein function. These predictions have not been confirmed by published functional studies and their clinical significance is uncertain. In summary, the available evidence is currently insufficient to determine the role of this variant in disease. Therefore, it has been classified as a Variant of Uncertain Significance.